The following is an entry in ClinVar:

NM_000212.3(ITGB3):c.55dup (p.Ala19fs)

Gene: ITGB3 (integrin subunit beta 3; plus strand). Cytogenetic location: 17q21.32.
Variant type: Duplication.
Coding change: c.55dup on transcript NM_000212.3 (MANE Select); coding-DNA position 55, one base duplicated (G; older notation c.55dupG).
Protein change: p.Ala19fs; shifts the reading frame from alanine 19.
Molecular consequence: frameshift variant.
Genome position (GRCh38, 1-based): chr17:47,253,916, G duplicated; the last of 5 consecutive G bases (chr17:47,253,912-47,253,916); duplicating any one gives the same sequence. VCF-style (leftmost placement, unchanged base first): chr17-47253911-T-TG. GRCh37 (hg19) VCF-style: chr17-45331277-T-TG.
Other names: NM_000212.3(ITGB3):c.55dup; p.Ala19fs; c.55dupG (NM_000212.2); short protein forms A19fs.
Identifiers: ClinVar variation 627094 (VCV000627094.4), dbSNP rs1302506624, ClinGen allele CA915940803.

ClinVar aggregate classification (germline): Pathogenic. Review status: reviewed by expert panel (3 of 4 stars). 2 submissions from 2 submitters: Pathogenic (1). 1 of the submissions does not count toward it. Last evaluated 2023-03-21.

Conditions:
Glanzmann thrombasthenia. Also called: BLEEDING DISORDER, PLATELET-TYPE, 2; THROMBASTHENIA OF GLANZMANN AND NAEGELI; Thrombasthenia; PLATELET GLYCOPROTEIN IIb-IIIa DEFICIENCY; Glanzmann's thrombasthenia. Identifiers: Orphanet 849, MedGen C0040015, MONDO:0100326.

Submissions (2):

ClinGen Platelet Disorders Variant Curation Expert Panel, ClinGen
Classification: Pathogenic for Glanzmann thrombasthenia. Last evaluated: 2023-03-21. Review status: reviewed by expert panel. Criteria: ClinGen Platelet ACMG Specifications v2-1. Collection method: curation. Allele origin: germline. Inheritance: Autosomal recessive inheritance.
Comment: NM_000212.3(ITGB3):c.55dup (p.Ala19GlyfsTer?) is a frameshift variant in exon 1 predicted to cause a premature stop codon in biologically-relevant-exon 2/15 and is predicted to lead to nonsense mediated decay in a gene in which loss-of-function is an established mechanism (PVS1). This variant is absent from gnomAD v2.1.1 (PM2_Supporting). Patient TGP0454, PMID:31064749, is reported to have a clinical diagnosis of GT type 1 and is homozygous for this variant (PM3_supporting). In summary, this variant meets the criteria to be classified as Pathogenic for autosomal recessive Glanzmann Thrombasthenia based on the ACMG/AMP criteria applied, as specified by the ClinGen PD VCEP: PVS1, PM2_supporting, PM3_supporting (VCEP specifications version 2.1).

NIHR Bioresource Rare Diseases, University of Cambridge
Classification: Likely pathogenic for Glanzmann thrombasthenia 1. Last evaluated: 2019-02-01. Review status: criteria provided, single submitter. Criteria: ACMG Guidelines, 2015. Collection method: research. Allele origin: unknown. Affected: yes. Observed: 1 homozygote. Study: ThromboGenomics. Not counted in ClinVar's aggregate classification.

Literature cited by the submitters: PubMed 31064749 (cited by NIHR Bioresource Rare Diseases, University of Cambridge).